The following is an entry in ClinVar:

ClinVar aggregate classification (germline): Uncertain significance (1 of 4 stars; one submission).

Submission:

Ambry Genetics
Classification: Uncertain significance. Last evaluated: 2025-05-28. Review status: criteria provided, single submitter. Criteria: Ambry Variant Classification Scheme 2023. Collection method: clinical testing. Allele origin: germline.
Comment: The p.R12P variant (also known as c.35G>C), located in coding exon 1 of the ATRIP gene, results from a G to C substitution at nucleotide position 35. The arginine at codon 12 is replaced by proline, an amino acid with dissimilar properties. This amino acid position is conserved. In addition, this alteration is predicted to be tolerated by in silico analysis. Based on the available evidence, the clinical significance of this variant remains unclear.

NM_130384.3(ATRIP):c.35G>C (p.Arg12Pro)

Genes: ATRIP (ATR interacting protein; plus strand), ATRIP-TREX1 (ATRIP-TREX1 readthrough; plus strand), LOC129936703 (ATAC-STARR-seq lymphoblastoid silent region 14331; plus strand). Cytogenetic location: 3p21.31.
Variant type: single nucleotide variant.
Coding change: c.35G>C on transcript NM_130384.3 (MANE Select); coding-DNA position 35, G replaced by C.
Protein change: p.Arg12Pro; replaces arginine 12 with proline.
Molecular consequence: missense variant. On other transcripts: non-coding transcript variant (1), intron variant (1).
Genome position (GRCh38, 1-based): chr3:48,446,880, G>C. VCF-style: chr3-48446880-G-C. GRCh37 (hg19) VCF-style: chr3-48488284-G-C.
Other names: c.35G>C, p.Arg12Pro (NM_032166.4); c.-218+81G>C (NM_001271022.2); short protein forms R12P.
Identifiers: ClinVar variation 3976895 (VCV003976895.1).